The following is an entry in ClinVar:

ClinVar aggregate classification (germline): Likely benign (0 of 4 stars; one submission).

Conditions:
HSD17B4-related disorder. Also called: HSD17B4-related disorders; HSD17B4-related condition.

Submission:

PreventionGenetics, part of Exact Sciences
Classification: Likely benign for HSD17B4-related condition. Last evaluated: 2022-06-30. Review status: no assertion criteria provided. Collection method: clinical testing. Allele origin: germline.
Comment: This variant is classified as likely benign based on ACMG/AMP sequence variant interpretation guidelines (Richards et al. 2015 PMID: 25741868, with internal and published modifications).

NM_000414.4(HSD17B4):c.1210-21A>C

Gene: HSD17B4 (hydroxysteroid 17-beta dehydrogenase 4; plus strand). Cytogenetic location: 5q23.1.
Variant type: single nucleotide variant.
Coding change: c.1210-21A>C on transcript NM_000414.4 (MANE Select); 21 bases into the intron before coding-DNA position 1210, A replaced by C.
Molecular consequence: intron variant.
Genome position (GRCh38, 1-based): chr5:119,502,020, A>C. VCF-style: chr5-119502020-A-C. GRCh37 (hg19) VCF-style: chr5-118837715-A-C.
Other names: c.799-21A>C (NM_001374503.1, NM_001374502.1, NM_001374501.1); c.1285-21A>C (NM_001199291.3); c.883-21A>C (NM_001374499.1); c.769-21A>C (NM_001374500.1); c.790-21A>C (NM_001292028.2); c.1138-21A>C (NM_001292027.2); c.1210-21A>C (NM_001374498.1); c.1201-21A>C (NM_001374497.1); and 1 more.
Identifiers: ClinVar variation 3046708 (VCV003046708.2), dbSNP rs755507874, ClinGen allele CA2740094041.